The following is an entry in ClinVar:

NM_001018115.3(FANCD2):c.205+9T>G

Genes: FANCD2 (FA complementation group D2; plus strand), LOC107303338 (3p25 FANCD2 Alu-mediated recombination region; plus strand). Cytogenetic location: 3p25.3.
Variant type: single nucleotide variant.
Coding change: c.205+9T>G on transcript NM_001018115.3 (MANE Select); 9 bases into the intron after coding-DNA position 205, T replaced by G.
Molecular consequence: intron variant.
Genome position (GRCh38, 1-based): chr3:10,032,981, T>G. VCF-style: chr3-10032981-T-G. GRCh37 (hg19) VCF-style: chr3-10074665-T-G.
Other names: c.205+9T>G (NM_033084.4, NM_001319984.2, NM_001374253.1 and 3 more transcripts).
Identifiers: ClinVar variation 414653 (VCV000414653.21), dbSNP rs34113138, ClinGen allele CA2249130.

ClinVar aggregate classification (germline): Benign. Review status: criteria provided, multiple submitters, no conflicts (2 of 4 stars). 4 submissions from 4 submitters: Benign (4). Last evaluated 2026-02-04.

Conditions:
Fanconi anemia (FA). Also called: Fanconi's anemia. Identifiers: Orphanet 84, MedGen C0015625, MeSH D005199, MONDO:0019391.
Fanconi anemia complementation group D2. Also called: FANCD2-Related Fanconi Anemia; FANCONI PANCYTOPENIA, TYPE 4; FANCONI ANEMIA, COMPLEMENTATION GROUP D. Identifiers: Orphanet 84, MedGen C3160738, MONDO:0009214, OMIM 227646.

Allele frequency attached by ClinVar (database versions not stated): ESP Exome Variant Server 0.00023; gnomAD 0.00056 and 0.00143; TOPMed 0.00089; gnomAD exomes 0.00139 and 0.00351; ExAC 0.00364; 1000 Genomes Project 30x 0.00812; 1000 Genomes Project 0.00819.
gnomAD v4.1: 2,229 of 1,548,618 alleles (0.14%); highest among the groups gnomAD compares: South Asian, 1.8%; 48 homozygotes.

Submissions (4):

Labcorp Genetics (formerly Invitae), Labcorp
Classification: Benign for Fanconi anemia. Last evaluated: 2026-02-04. Review status: criteria provided, single submitter. Criteria: Invitae Variant Classification Sherloc (09022015). Collection method: clinical testing. Allele origin: germline.

KCCC/NGS Laboratory, Kuwait Cancer Control Center
Classification: Benign for Fanconi anemia complementation group D2. Last evaluated: 2023-07-07. Review status: criteria provided, single submitter. Criteria: ACMG Guidelines, 2015. Collection method: clinical testing. Allele origin: germline. Affected: yes.

Genetic Services Laboratory, University of Chicago
Classification: Benign. Last evaluated: 2018-04-26. Review status: criteria provided, single submitter. Criteria: ACMG Guidelines, 2015. Collection method: clinical testing. Allele origin: germline. Affected: no.

Illumina Laboratory Services, Illumina
Classification: Benign for Fanconi anemia complementation group D2. Last evaluated: 2018-01-13. Review status: criteria provided, single submitter. Criteria: ICSL Variant Classification Criteria 13 December 2019. Collection method: clinical testing. Allele origin: germline.
Comment: This variant was observed in the ICSL laboratory as part of a predisposition screen in an ostensibly healthy population. It had not been previously curated by ICSL or reported in the Human Gene Mutation Database (HGMD: prior to June 1st, 2018), and was therefore a candidate for classification through an automated scoring system. Utilizing variant allele frequency, disease prevalence and penetrance estimates, and inheritance mode, an automated score was calculated to assess if this variant is too frequent to cause the disease. Based on the score and internal cut-off values, a variant classified as benign is not then subjected to further curation. The score for this variant resulted in a classification of benign for this disease.